The following is an entry in ClinVar:

NM_000064.4(C3):c.829G>A (p.Asp277Asn)

Gene: C3 (complement C3; minus strand). Cytogenetic location: 19p13.3.
Variant type: single nucleotide variant.
Coding change: c.829G>A on transcript NM_000064.4 (MANE Select); coding-DNA position 829, G replaced by A.
Protein change: p.Asp277Asn; replaces aspartic acid 277 with asparagine.
Molecular consequence: missense variant.
Genome position (GRCh38, 1-based): chr19:6,713,454, C>T on the plus strand (G>A on the coding strand, the complement: C3 is on the minus strand). VCF-style: chr19-6713454-C-T. GRCh37 (hg19) VCF-style: chr19-6713465-C-T.
Other names: short protein forms D277N.
Identifiers: ClinVar variation 1345792 (VCV001345792.8), dbSNP rs2145430999, ClinGen allele CA403642607.

ClinVar aggregate classification (germline): Uncertain significance (1 of 4 stars; one submission).

Submission:

Labcorp Genetics (formerly Invitae), Labcorp
Classification: Uncertain significance. Last evaluated: 2021-04-16. Review status: criteria provided, single submitter. Criteria: Invitae Variant Classification Sherloc (09022015). Collection method: clinical testing. Allele origin: germline.
Comment: This sequence change replaces aspartic acid with asparagine at codon 277 of the C3 protein (p.Asp277Asn). The aspartic acid residue is highly conserved and there is a small physicochemical difference between aspartic acid and asparagine. This variant is not present in population databases (ExAC no frequency). In summary, the available evidence is currently insufficient to determine the role of this variant in disease. Therefore, it has been classified as a Variant of Uncertain Significance. Algorithms developed to predict the effect of missense changes on protein structure and function (SIFT, PolyPhen-2, Align-GVGD) all suggest that this variant is likely to be tolerated, but these predictions have not been confirmed by published functional studies and their clinical significance is uncertain. This variant has not been reported in the literature in individuals with C3-related conditions.